The following is an entry in ClinVar:

NM_000317.3(PTS):c.17G>T (p.Gly6Val)

Genes: PTS (6-pyruvoyltetrahydropterin synthase; plus strand), LOC130006765 (ATAC-STARR-seq lymphoblastoid silent region 3906; plus strand). Cytogenetic location: 11q23.1.
Variant type: single nucleotide variant.
Coding change: c.17G>T on transcript NM_000317.3 (MANE Select); coding-DNA position 17, G replaced by T.
Protein change: p.Gly6Val; replaces glycine 6 with valine.
Molecular consequence: missense variant.
Genome position (GRCh38, 1-based): chr11:112,226,460, G>T. VCF-style: chr11-112226460-G-T. GRCh37 (hg19) VCF-style: chr11-112097183-G-T.
Other names: short protein forms G6V.
Identifiers: ClinVar variation 991005 (VCV000991005.6), dbSNP rs138154701, ClinGen allele CA6278422.

ClinVar aggregate classification (germline): Uncertain significance. Review status: criteria provided, single submitter (1 of 4 stars). 2 submissions from 2 submitters: Uncertain significance (1). 1 of the submissions does not count toward it. Last evaluated 2023-12-18.

Conditions:
6-Pyruvoyl-tetrahydrobiopterin synthase deficiency. Also called: 6-Pyruvoyltetrahydropterin Synthase Deficiency; Hyperphenylalanemia, BH4-deficient, A; Hyperphenylalaninemia due to 6-pyruvoyl-tetrahydropterin synthase deficiency; BH4-deficient hyperphenylalaninemia A; PTS DEFICIENCY; PTS-Related Tetrahydrobiopterin Deficiency. Identifiers: Orphanet 13, Orphanet 238583, MedGen C0878676, MONDO:0009863, OMIM 261640.

Allele frequency attached by ClinVar (database versions not stated): gnomAD 0.00028 and 0.00031; TOPMed 0.00037; gnomAD exomes 0.00002 and 0.00004; ExAC 0.00009; ESP Exome Variant Server 0.00023; 1000 Genomes Project 0.00040; 1000 Genomes Project 30x 0.00047.
gnomAD v4.1: 76 of 1,581,072 alleles (0.0048%); highest among the groups gnomAD compares: African/African-American, 0.1%; no homozygotes.

Submissions (2):

Labcorp Genetics (formerly Invitae), Labcorp
Classification: Uncertain significance for 6-Pyruvoyl-tetrahydrobiopterin synthase deficiency. Last evaluated: 2023-12-18. Review status: criteria provided, single submitter. Criteria: Invitae Variant Classification Sherloc (09022015). Collection method: clinical testing. Allele origin: germline.
Comment: This sequence change replaces glycine, which is neutral and non-polar, with valine, which is neutral and non-polar, at codon 6 of the PTS protein (p.Gly6Val). This variant is present in population databases (rs138154701, gnomAD 0.08%). This variant has not been reported in the literature in individuals affected with PTS-related conditions. ClinVar contains an entry for this variant (Variation ID: 991005). An algorithm developed to predict the effect of missense changes on protein structure and function (PolyPhen-2) suggests that this variant¬†is likely to be tolerated. In summary, the available evidence is currently insufficient to determine the role of this variant in disease. Therefore, it has been classified as a Variant of Uncertain Significance.

Natera, Inc.
Classification: Likely benign for 6-Pyruvoyl-tetrahydrobiopterin synthase deficiency. Last evaluated: 2020-10-19. Review status: no assertion criteria provided. Collection method: clinical testing. Allele origin: germline. Not counted in ClinVar's aggregate classification.